The following is an entry in ClinVar:

ClinVar aggregate classification (germline): Conflicting classifications of pathogenicity. Review status: criteria provided, conflicting classifications (1 of 4 stars). 2 submissions from 2 submitters: Uncertain significance (1); Likely benign (1). Last evaluated 2023-05-03.

Conditions:
Inborn genetic diseases. Identifiers: MedGen C0950123, MeSH D030342.

Allele frequency attached by ClinVar (database versions not stated): ExAC 0.00001; gnomAD 0.00001; gnomAD exomes 0.00001; TOPMed 0.00002.
gnomAD v4.1: 10 of 1,614,016 alleles (0.00062%); highest among the groups gnomAD compares: African/African-American, 0.0013%; no homozygotes.

Submissions (2):

GeneDx
Classification: Uncertain significance. Last evaluated: 2023-05-03. Review status: criteria provided, single submitter. Criteria: GeneDx Variant Classification Process June 2021. Collection method: clinical testing. Allele origin: germline. Affected: yes.
Comment: Not observed at significant frequency in large population cohorts (gnomAD); In silico analysis supports that this missense variant does not alter protein structure/function; Has not been previously published as pathogenic or benign to our knowledge

Ambry Genetics
Classification: Likely benign for Inborn genetic diseases. Last evaluated: 2023-01-26. Review status: criteria provided, single submitter. Criteria: Ambry Variant Classification Scheme 2023. Collection method: clinical testing. Allele origin: germline.

NM_004618.5(TOP3A):c.2669G>A (p.Gly890Asp)

Gene: TOP3A (DNA topoisomerase III alpha; minus strand). Cytogenetic location: 17p11.2.
Variant type: single nucleotide variant.
Coding change: c.2669G>A on transcript NM_004618.5 (MANE Select); coding-DNA position 2669, G replaced by A.
Protein change: p.Gly890Asp; replaces glycine 890 with aspartic acid.
Molecular consequence: missense variant.
Genome position (GRCh38, 1-based): chr17:18,277,833, C>T on the plus strand (G>A on the coding strand, the complement: TOP3A is on the minus strand). VCF-style: chr17-18277833-C-T. GRCh37 (hg19) VCF-style: chr17-18181147-C-T.
Other names: c.2384G>A, p.Gly795Asp (NM_001320759.2); c.2669G>A (NM_004618.4); short protein forms G795D, G890D.
Identifiers: ClinVar variation 2479372 (VCV002479372.3), dbSNP rs745879100, ClinGen allele CA8429542.